The following is an entry in ClinVar:

NM_000091.5(COL4A3):c.1751G>A (p.Gly584Asp)

Genes: COL4A3 (collagen type IV alpha 3 chain; plus strand), MFF-DT (MFF divergent transcript; minus strand). Cytogenetic location: 2q36.3.
Variant type: single nucleotide variant.
Coding change: c.1751G>A on transcript NM_000091.5 (MANE Select); coding-DNA position 1751, G replaced by A.
Protein change: p.Gly584Asp; replaces glycine 584 with aspartic acid.
Molecular consequence: missense variant.
Genome position (GRCh38, 1-based): chr2:227,270,945, G>A. VCF-style: chr2-227270945-G-A. GRCh37 (hg19) VCF-style: chr2-228135661-G-A.
Other names: short protein forms G584D.
Identifiers: ClinVar variation 5004140 (VCV005004140.1).

ClinVar aggregate classification (germline): Uncertain significance (1 of 4 stars; one submission).

Conditions:
Alport syndrome. Also called: Hemorrhagic familial nephritis; Hemorrhagic hereditary nephritis; Congenital hereditary hematuria. Identifiers: Orphanet 63, MedGen C1567741, MONDO:0018965.

Submission:

Myriad Genetics, Inc.
Classification: Uncertain significance for Alport syndrome. Last evaluated: 2025-08-27. Review status: criteria provided, single submitter. Criteria: Myriad Autosomal Dominant, Autosomal Recessive and X-Linked Classification Criteria (2023). Collection method: clinical testing. Allele origin: unknown.
Comment: NM_000091.4(COL4A3):c.1751G>A(G584D) is a missense variant classified as a variant of uncertain significance in the context of Alport syndrome, COL4A3-related. G584D has not been observed in cases with relevant disease. Relevant functional assessments of this variant are not available in the literature. G584D has not been observed in referenced population frequency databases. In summary, there is insufficient evidence to classify NM_000091.4(COL4A3):c.1751G>A(G584D) as pathogenic or benign. Please note: this variant was assessed in the context of healthy population screening.